The following is an entry in ClinVar:

ClinVar aggregate classification (germline): Uncertain significance (1 of 4 stars; one submission).

Allele frequency attached by ClinVar (database versions not stated): TOPMed 0.00003; ExAC 0.00004; gnomAD 0.00006; ESP Exome Variant Server 0.00008; 1000 Genomes Project 30x 0.00016; 1000 Genomes Project 0.00020.
gnomAD v4.1: 92 of 1,598,908 alleles (0.0058%); highest among the groups gnomAD compares: Non-Finnish European, 0.0078%; no homozygotes.

Submission:

Labcorp Genetics (formerly Invitae), Labcorp
Classification: Uncertain significance. Last evaluated: 2025-01-27. Review status: criteria provided, single submitter. Criteria: Invitae Variant Classification Sherloc (09022015). Collection method: clinical testing. Allele origin: germline.
Comment: This sequence change replaces aspartic acid, which is acidic and polar, with asparagine, which is neutral and polar, at codon 463 of the IREB2 protein (p.Asp463Asn). This variant is present in population databases (rs141373267, gnomAD 0.007%). This variant has not been reported in the literature in individuals affected with IREB2-related conditions. ClinVar contains an entry for this variant (Variation ID: 2738342). An algorithm developed to predict the effect of missense changes on protein structure and function (PolyPhen-2) suggests that this variant is likely to be disruptive. In summary, the available evidence is currently insufficient to determine the role of this variant in disease. Therefore, it has been classified as a Variant of Uncertain Significance.

NM_004136.4(IREB2):c.1387G>A (p.Asp463Asn)

Gene: IREB2 (iron responsive element binding protein 2; plus strand). Cytogenetic location: 15q25.1.
Variant type: single nucleotide variant.
Coding change: c.1387G>A on transcript NM_004136.4 (MANE Select); coding-DNA position 1387, G replaced by A.
Protein change: p.Asp463Asn; replaces aspartic acid 463 with asparagine.
Molecular consequence: missense variant.
Genome position (GRCh38, 1-based): chr15:78,483,408, G>A. VCF-style: chr15-78483408-G-A. GRCh37 (hg19) VCF-style: chr15-78775750-G-A.
Other names: c.637G>A, p.Asp213Asn (NM_001320941.2); c.1216G>A, p.Asp406Asn (NM_001320942.2, NM_001354994.2); short protein forms D213N, D463N, D406N.
Identifiers: ClinVar variation 2738342 (VCV002738342.3), dbSNP rs141373267, ClinGen allele CA7682959.